The following is an entry in ClinVar:

NM_006445.4(PRPF8):c.1420C>A (p.Arg474Ser)

Gene: PRPF8 (pre-mRNA processing factor 8; minus strand). Cytogenetic location: 17p13.3.
Variant type: single nucleotide variant.
Coding change: c.1420C>A on transcript NM_006445.4 (MANE Select); coding-DNA position 1420, C replaced by A.
Protein change: p.Arg474Ser; replaces arginine 474 with serine.
Molecular consequence: missense variant.
Genome position (GRCh38, 1-based): chr17:1,679,196, G>T on the plus strand (C>A on the coding strand, the complement: PRPF8 is on the minus strand). VCF-style: chr17-1679196-G-T. GRCh37 (hg19) VCF-style: chr17-1582490-G-T.
Other names: short protein forms R474S.
Identifiers: ClinVar variation 2115387 (VCV002115387.4), dbSNP rs755296299, ClinGen allele CA397561639.

ClinVar aggregate classification (germline): Uncertain significance (1 of 4 stars; one submission).

Submission:

Labcorp Genetics (formerly Invitae), Labcorp
Classification: Uncertain significance. Last evaluated: 2025-05-05. Review status: criteria provided, single submitter. Criteria: Invitae Variant Classification Sherloc (09022015). Collection method: clinical testing. Allele origin: germline.
Comment: This sequence change replaces arginine, which is basic and polar, with serine, which is neutral and polar, at codon 474 of the PRPF8 protein (p.Arg474Ser). This variant is not present in population databases (gnomAD no frequency). This variant has not been reported in the literature in individuals affected with PRPF8-related conditions. ClinVar contains an entry for this variant (Variation ID: 2115387). Invitae Evidence Modeling of protein sequence and biophysical properties (such as structural, functional, and spatial information, amino acid conservation, physicochemical variation, residue mobility, and thermodynamic stability) indicates that this missense variant is not expected to disrupt PRPF8 protein function with a negative predictive value of 80%. In summary, the available evidence is currently insufficient to determine the role of this variant in disease. Therefore, it has been classified as a Variant of Uncertain Significance.